The following is an entry in ClinVar:

ClinVar aggregate classification (germline): not provided (0 of 4 stars; one submission).

Conditions:
Ventricular tachycardia. Identifiers: MedGen C0042514, MONDO:0005477, HP:0004756.

Submission:

Cardiovascular Biomedical Research Unit, Royal Brompton & Harefield NHS Foundation Trust
No classification provided. Condition: Ventricular tachycardia. Review status: no classification provided. Collection method: literature only. Allele origin: germline.
Comment: This variant has been reported as associated with Ventricular tachycardia in the following publications (PMID:16818210;PMID:19843922). This is a literature report, and does not necessarily reflect the clinical interpretation of the Imperial College / Royal Brompton Cardiovascular Genetics laboratory.

Literature cited by the submitters: PubMed 16818210; PubMed 19843922; PubMed 22581653.

NM_000891.3(KCNJ2):c.679G>T (p.Val227Phe)

Gene: KCNJ2 (potassium inwardly rectifying channel subfamily J member 2; plus strand). Cytogenetic location: 17q24.3.
Variant type: single nucleotide variant.
Coding change: c.679G>T on transcript NM_000891.3 (MANE Select); coding-DNA position 679, G replaced by T.
Protein change: p.Val227Phe; replaces valine 227 with phenylalanine.
Molecular consequence: missense variant.
Genome position (GRCh38, 1-based): chr17:70,175,718, G>T. VCF-style: chr17-70175718-G-T. GRCh37 (hg19) VCF-style: chr17-68171859-G-T.
Other names: c.679G>T (LRG_328t1); short protein forms V227F.
Identifiers: ClinVar variation 67586 (VCV000067586.1), dbSNP rs199473657, ClinGen allele CA145019.